The following is an entry in ClinVar:

NC_000007.13:g.(117282648_117292895)_(117292986_117304741)del

Gene: CFTR (CF transmembrane conductance regulator; plus strand). Cytogenetic location: 7q31.2.
Variant type: Deletion.
Identifiers: ClinVar variation 3251507 (VCV003251507.1).

ClinVar aggregate classification (germline): Pathogenic (1 of 4 stars; one submission).

Conditions:
Cystic fibrosis (CF). Also called: MUCOVISCIDOSIS. Identifiers: Orphanet 586, MedGen C0010674, MONDO:0009061, OMIM 219700. Disease mechanism: loss of function.

Submission:

Women's Health and Genetics/Laboratory Corporation of America, LabCorp
Classification: Pathogenic for Cystic fibrosis. Last evaluated: 2024-04-30. Review status: criteria provided, single submitter. Criteria: LabCorp Variant Classification Summary - May 2015. Collection method: clinical testing. Allele origin: germline.
Comment: Variant summary: The variant involves the deletion of exon 24 in the CFTR gene. A presumed nomenclature of c.(3873+1_3874-1)_(3963+1_3964-1)del has been designated for the purposes of this classification. This Copy Number Variant (CNV) is predicted to result in an in-frame deletion within this gene. The variant was absent in 21694 control chromosomes in the gnomAD database (Structural Variants v2.1 dataset). The deletion of exon 24 has been reported in the literature in individuals affected with Cystic Fibrosis (e.g. Schrijver_2016 and in the database). Additionally, missense variants within exon 24 have been reported in affected individuals (HGMD), and at-least one of these variants has been classified as pathogenic by our lab. These data indicate the variant is very likely associated with disease. To our knowledge, no experimental evidence demonstrating an impact on protein function has been reported. The following publication has been ascertained in the context of this evaluation (PMID: 26708955). ClinVar contains an entry for this variant (Variation ID: 974736). Based on the evidence outlined above, the variant was classified as pathogenic.

Literature cited by the submitters: PubMed 26708955.